The following is an entry in ClinVar:

NC_000005.9:g.(?_80149929)_(80171681_?)dup

Gene: MSH3 (mutS homolog 3; plus strand). Cytogenetic location: 5q14.1.
Variant type: Duplication.
Identifiers: ClinVar variation 3246495 (VCV003246495.1).

ClinVar aggregate classification (germline): Uncertain significance (1 of 4 stars; one submission).

Submission:

Labcorp Genetics (formerly Invitae), Labcorp
Classification: Uncertain significance. Last evaluated: 2022-10-04. Review status: criteria provided, single submitter. Criteria: Invitae Variant Classification Sherloc (09022015). Collection method: clinical testing. Allele origin: unknown.
Comment: Experimental studies and prediction algorithms are not available or were not evaluated, and the functional significance of this variant is currently unknown. This variant has not been reported in the literature in individuals affected with MSH3-related conditions. This variant results in a copy number gain of the genomic region encompassing exon(s) 21-24 of the MSH3 gene. This region includes the termination codon of the gene. This copy number gain extends beyond the assayed region for this gene and therefore may encompass additional genes. As the precise location of this event is unknown, it may be in tandem or it may be located elsewhere in the genome. In summary, the available evidence is currently insufficient to determine the role of this variant in disease. Therefore, it has been classified as a Variant of Uncertain Significance.